The following is an entry in ClinVar:

ClinVar aggregate classification (germline): Uncertain significance (1 of 4 stars; one submission).

Conditions:
Cardiovascular phenotype. Identifiers: MedGen CN230736.

gnomAD v4.1: 4 of 1,531,896 alleles (0.00026%); highest among the groups gnomAD compares: South Asian, 0.0012%; no homozygotes.

Submission:

Ambry Genetics
Classification: Uncertain significance for Cardiovascular phenotype. Last evaluated: 2023-04-18. Review status: criteria provided, single submitter. Criteria: Ambry Variant Classification Scheme 2023. Collection method: clinical testing. Allele origin: germline.
Comment: The p.S3098I variant (also known as c.9293G>T), located in coding exon 2 of the ZNF469 gene, results from a G to T substitution at nucleotide position 9293. The serine at codon 3098 is replaced by isoleucine, an amino acid with dissimilar properties. This amino acid position is conserved. In addition, this alteration is predicted to be tolerated by in silico analysis. Since supporting evidence is limited at this time, the clinical significance of this alteration remains unclear.

NM_001367624.2(ZNF469):c.9377G>T (p.Ser3126Ile)

Gene: ZNF469 (zinc finger protein 469; plus strand). Cytogenetic location: 16q24.2.
Variant type: single nucleotide variant.
Coding change: c.9377G>T on transcript NM_001367624.2 (MANE Select); coding-DNA position 9377, G replaced by T.
Protein change: p.Ser3126Ile; replaces serine 3126 with isoleucine.
Molecular consequence: missense variant.
Genome position (GRCh38, 1-based): chr16:88,436,847, G>T. VCF-style: chr16-88436847-G-T. GRCh37 (hg19) VCF-style: chr16-88503255-G-T.
Other names: NM_001127464.1:c.9293G>T; short protein forms S3126I.
Identifiers: ClinVar variation 2564231 (VCV002564231.2), dbSNP rs1464513428, ClinGen allele CA397122053.
Genomic context (GRCh38, chr16:88,436,847, plus strand): 5'-GGCCGGCCAAGGGCAGGCGGGCCTCCTACAAGTGCAAAGTGTGCTTCCAGCGCTTCCGCA[G>T]CCTGGGCGAGCTGGACCTGCACAAGCTGGCCCACACGCCCGCGCCGCCGCCCACCTGCTA-3'
Protein context (NP_001354553.1, residues 3116-3136): KCKVCFQRFR[Ser3126Ile]LGELDLHKLA